The following is an entry in ClinVar:

NM_138420.4(AHNAK2):c.4779G>C (p.Gly1593=)

Gene: AHNAK2 (AHNAK nucleoprotein 2; minus strand). Cytogenetic location: 14q32.33.
Variant type: single nucleotide variant.
Coding change: c.4779G>C on transcript NM_138420.4 (MANE Select); coding-DNA position 4779, G replaced by C.
Protein change: p.Gly1593=; no amino-acid change (glycine 1593 retained).
Molecular consequence: synonymous variant.
Genome position (GRCh38, 1-based): chr14:104,950,672, C>G on the plus strand (G>C on the coding strand, the complement: AHNAK2 is on the minus strand). VCF-style: chr14-104950672-C-G. GRCh37 (hg19) VCF-style: chr14-105417009-C-G.
Other names: c.4479G>C, p.Gly1493= (NM_001350929.2).
Identifiers: ClinVar variation 2644818 (VCV002644818.24), dbSNP rs2013457, ClinGen allele CA7382234.

ClinVar aggregate classification (germline): Likely benign (1 of 4 stars; one submission).

Allele frequency attached by ClinVar (database versions not stated): ExAC 0.00180; gnomAD 0.00181; 1000 Genomes Project 30x 0.00718.
gnomAD v4.1: 1,718 of 1,580,352 alleles (0.11%); highest among the groups gnomAD compares: South Asian, 0.62%; 208 homozygotes.

Submission:

CeGaT Center for Human Genetics Tuebingen
Classification: Likely benign. Last evaluated: 2026-07-01. Review status: criteria provided, single submitter. Criteria: CeGaT Center For Human Genetics Tuebingen Variant Classification Criteria Version 2. Collection method: clinical testing. Allele origin: germline. Affected: yes. Observed: 5 variant alleles.
Comment: AHNAK2: BP4, BP7, BS2